The following is an entry in ClinVar:

NM_138694.4(PKHD1):c.6187del (p.Ala2063fs)

Gene: PKHD1 (PKHD1 ciliary IPT domain containing fibrocystin/polyductin; minus strand). Cytogenetic location: 6p12.2.
Variant type: Deletion.
Coding change: c.6187del on transcript NM_138694.4 (MANE Select); coding-DNA position 6187, one base deleted (G; older notation c.6187delG).
Protein change: p.Ala2063fs; shifts the reading frame from alanine 2063.
Molecular consequence: frameshift variant.
Genome position (GRCh38, 1-based): chr6:51,912,511, C deleted on the plus strand (G on the coding strand, the reverse complement: PKHD1 is on the minus strand); the first of 2 consecutive C bases (chr6:51,912,511-51,912,512); deleting either gives the same sequence. VCF-style (leftmost placement, unchanged base first): chr6-51912510-GC-G. GRCh37 (hg19) VCF-style: chr6-51777308-GC-G.
Other names: c.6187del, p.Ala2063fs (NM_170724.3); short protein forms A2063fs.
Identifiers: ClinVar variation 1726341 (VCV001726341.2), dbSNP rs2536682811, ClinGen allele CA2580075501.
Genomic context (GRCh38, chr6:51,912,510, plus strand): 5'-CCTGTTCCACTGATGATGACAACTTCATCCCCAGGGTTCCAGTCCACAGCATCTTCTAAA[GC>G]CAGCACTGTGTCTAGGGCATGGGCAGTTGCTCTAAGACAGGTGACAATTACTTCTGGTAG-3'

ClinVar aggregate classification (germline): Likely pathogenic (1 of 4 stars; one submission).

Conditions:
Polycystic kidney disease 4 (PKD4). Also called: POLYCYSTIC KIDNEY AND HEPATIC DISEASE 1; POLYCYSTIC KIDNEY DISEASE, INFANTILE, TYPE I; POLYCYSTIC KIDNEY DISEASE 4 WITH OR WITHOUT POLYCYSTIC LIVER DISEASE; PKD3; Autosomal Recessive Polycystic Kidney Disease – PKHD1. Identifiers: MedGen C4540575, MONDO:0033004, OMIM 263200.

Submission:

Myriad Genetics, Inc.
Classification: Likely pathogenic for Polycystic kidney disease 4. Last evaluated: 2021-12-16. Review status: criteria provided, single submitter. Criteria: Myriad Women's Health Autosomal Recessive and X-Linked Classification Criteria (2021). Collection method: clinical testing. Allele origin: unknown.
Comment: NM_138694.3(PKHD1):c.6187delG(A2063Lfs*2) is expected to be pathogenic in the context of autosomal recessive polycystic kidney disease, PKHD1-related. This variant is predicted to lead to an abnormal or absent protein product due to the creation of a premature termination codon in PKHD1, a gene where loss-of-function variants are known to be pathogenic. Please note: this variant was assessed in the context of healthy population screening.